The following is an entry in ClinVar:

NM_173354.5(SIK1):c.1829G>A (p.Arg610His)

Gene: SIK1 (salt inducible kinase 1; minus strand). Cytogenetic location: 21q22.3.
Variant type: single nucleotide variant.
Coding change: c.1829G>A on transcript NM_173354.5 (MANE Select); coding-DNA position 1829, G replaced by A.
Protein change: p.Arg610His; replaces arginine 610 with histidine.
Molecular consequence: missense variant.
Genome position (GRCh38, 1-based): chr21:43,417,690, C>T on the plus strand (G>A on the coding strand, the complement: SIK1 is on the minus strand). VCF-style: chr21-43417690-C-T. GRCh37 (hg19) VCF-style: chr21-44837570-C-T.
Other names: short protein forms R610H.
Identifiers: ClinVar variation 2804136 (VCV002804136.3), dbSNP rs770153649, ClinGen allele CA321324955.

ClinVar aggregate classification (germline): Uncertain significance (1 of 4 stars; one submission).

Conditions:
Developmental and epileptic encephalopathy, 30 (DEE30). Also called: Epileptic encephalopathy, early infantile, 30. Identifiers: MedGen C4225360, MONDO:0014595, OMIM 616341.

Allele frequency attached by ClinVar (database versions not stated): gnomAD exomes 0.00001; ExAC 0.00002.

Submission:

Labcorp Genetics (formerly Invitae), Labcorp
Classification: Uncertain significance for Developmental and epileptic encephalopathy, 30. Last evaluated: 2023-07-07. Review status: criteria provided, single submitter. Criteria: Invitae Variant Classification Sherloc (09022015). Collection method: clinical testing. Allele origin: germline.
Comment: This sequence change replaces arginine, which is basic and polar, with histidine, which is basic and polar, at codon 610 of the SIK1 protein (p.Arg610His). The frequency data for this variant in the population databases is considered unreliable, as metrics indicate poor data quality at this position in the gnomAD database. This variant has not been reported in the literature in individuals affected with SIK1-related conditions. Advanced modeling of protein sequence and biophysical properties (such as structural, functional, and spatial information, amino acid conservation, physicochemical variation, residue mobility, and thermodynamic stability) performed at Invitae indicates that this missense variant is not expected to disrupt SIK1 protein function. In summary, the available evidence is currently insufficient to determine the role of this variant in disease. Therefore, it has been classified as a Variant of Uncertain Significance.